The following is an entry in ClinVar:

NM_001939.3(DRP2):c.2065C>T (p.Arg689Ter)

Gene: DRP2 (dystrophin related protein 2; plus strand). Cytogenetic location: Xq22.1.
Variant type: single nucleotide variant.
Coding change: c.2065C>T on transcript NM_001939.3 (MANE Select); coding-DNA position 2065, C replaced by T.
Protein change: p.Arg689Ter; replaces arginine 689 with a stop codon.
Molecular consequence: nonsense.
Genome position (GRCh38, 1-based): chrX:101,254,512, C>T. VCF-style: chrX-101254512-C-T. GRCh37 (hg19) VCF-style: chrX-100509501-C-T.
Other names: c.1831C>T, p.Arg611Ter (NM_001171184.2); short protein forms R611*, R689*.
Identifiers: ClinVar variation 3606919 (VCV003606919.2).

ClinVar aggregate classification (germline): Pathogenic (1 of 4 stars; one submission).

gnomAD v4.1: 3 of 1,211,995 alleles (0.00025%); highest among the groups gnomAD compares: South Asian, 0.0018%; no homozygotes.

Submission:

Labcorp Genetics (formerly Invitae), Labcorp
Classification: Pathogenic. Last evaluated: 2025-05-05. Review status: criteria provided, single submitter. Criteria: Invitae Variant Classification Sherloc (09022015). Collection method: clinical testing. Allele origin: germline.
Comment: This sequence change creates a premature translational stop signal (p.Arg689*) in the DRP2 gene. It is expected to result in an absent or disrupted protein product. Loss-of-function variants in DRP2 are known to be pathogenic (PMID: 22764250, 26227883). This variant is not present in population databases (gnomAD no frequency). This variant has not been reported in the literature in individuals affected with DRP2-related conditions. ClinVar contains an entry for this variant (Variation ID: 3606919). Algorithms developed to predict the effect of sequence changes on RNA splicing suggest that this variant may disrupt the consensus splice site. For these reasons, this variant has been classified as Pathogenic.

Literature cited by the submitters: PubMed 22764250; PubMed 26227883.